The following is an entry in ClinVar:

ClinVar aggregate classification (germline): Uncertain significance. Review status: criteria provided, multiple submitters, no conflicts (2 of 4 stars). 3 submissions from 3 submitters: Uncertain significance (3). Last evaluated 2025-12-29.

Conditions:
Left ventricular noncompaction 8 (LVNC8). Identifiers: Orphanet 154, Orphanet 54260, MedGen C3809288, MONDO:0014152, OMIM 615373.

Allele frequency attached by ClinVar (database versions not stated): ExAC 0.00003; gnomAD exomes 0.00005; gnomAD 0.00007 and 0.00008; TOPMed 0.00013; ESP Exome Variant Server 0.00016.
gnomAD v4.1: 52 of 1,613,854 alleles (0.0032%); highest among the groups gnomAD compares: South Asian, 0.033%; 1 homozygote.

Submissions (3):

Labcorp Genetics (formerly Invitae), Labcorp
Classification: Uncertain significance for Left ventricular noncompaction 8. Last evaluated: 2025-12-29. Review status: criteria provided, single submitter. Criteria: Invitae Variant Classification Sherloc (09022015). Collection method: clinical testing. Allele origin: germline.
Comment: This sequence change replaces valine, which is neutral and non-polar, with methionine, which is neutral and non-polar, at codon 135 of the PRDM16 protein (p.Val135Met). This variant is present in population databases (rs372159539, gnomAD 0.02%). This missense change has been observed in individual(s) with dilated cardiomyopathy (PMID: 32746448). ClinVar contains an entry for this variant (Variation ID: 432894). An algorithm developed to predict the effect of missense changes on protein structure and function (PolyPhen-2) suggests that this variant is likely to be tolerated. In summary, the available evidence is currently insufficient to determine the role of this variant in disease. Therefore, it has been classified as a Variant of Uncertain Significance.

Women's Health and Genetics/Laboratory Corporation of America, LabCorp
Classification: Uncertain significance. Last evaluated: 2025-10-29. Review status: criteria provided, single submitter. Criteria: LabCorp Variant Classification Summary - May 2015. Collection method: clinical testing. Allele origin: germline.
Comment: Variant summary: PRDM16 c.403G>A (p.Val135Met) results in a conservative amino acid change in the encoded protein sequence. Algorithms developed to predict the effect of missense changes on protein structure and function all suggest that this variant is likely to be tolerated. The variant allele was found at a frequency of 4.8e-05 in 249512 control chromosomes in the gnomAD database, including 1 homozygotes. This frequency is not significantly higher than estimated for disease-causing variants in PRDM16, allowing no conclusion about variant significance. c.403G>A has been observed with variants in other genes in individual affected with Cardiomyopathy (Burstein_2021). These report(s) do not provide unequivocal conclusions about association of the variant with Cardiomyopathy. To our knowledge, no experimental evidence demonstrating an impact on protein function has been reported. The following publication have been ascertained in the context of this evaluation (PMID: 32746448). ClinVar contains an entry for this variant (Variation ID: 432894). Based on the evidence outlined above, the variant was classified as uncertain significance.

GeneDx
Classification: Uncertain significance. Last evaluated: 2022-04-19. Review status: criteria provided, single submitter. Criteria: GeneDx Variant Classification Process June 2021. Collection method: clinical testing. Allele origin: germline. Affected: yes.
Comment: Identified in a patient with DCM in the published literature (Burstein et al., 2021), however this patient harbored additional cardiogenetic variants; In silico analysis supports that this missense variant does not alter protein structure/function; This variant is associated with the following publications: (PMID: 32746448)

Literature cited by the submitters: PubMed 32746448 (cited by Labcorp Genetics (formerly Invitae), Labcorp and Women's Health and Genetics/Laboratory Corporation of America, LabCorp).

NM_022114.4(PRDM16):c.403G>A (p.Val135Met)

Gene: PRDM16 (PR/SET domain 16; plus strand). Cytogenetic location: 1p36.32.
Variant type: single nucleotide variant.
Coding change: c.403G>A on transcript NM_022114.4 (MANE Select); coding-DNA position 403, G replaced by A.
Protein change: p.Val135Met; replaces valine 135 with methionine.
Molecular consequence: missense variant.
Genome position (GRCh38, 1-based): chr1:3,244,102, G>A. VCF-style: chr1-3244102-G-A. GRCh37 (hg19) VCF-style: chr1-3160666-G-A.
Other names: c.403G>A, p.Val135Met (NM_199454.3); short protein forms V135M.
Identifiers: ClinVar variation 432894 (VCV000432894.14), dbSNP rs372159539, ClinGen allele CA543784.